The following is an entry in ClinVar:

NM_004254.4(SLC22A8):c.518T>A (p.Phe173Tyr)

Gene: SLC22A8 (solute carrier family 22 member 8; minus strand). Cytogenetic location: 11q12.3.
Variant type: single nucleotide variant.
Coding change: c.518T>A on transcript NM_004254.4 (MANE Select); coding-DNA position 518, T replaced by A.
Protein change: p.Phe173Tyr; replaces phenylalanine 173 with tyrosine.
Molecular consequence: missense variant.
Genome position (GRCh38, 1-based): chr11:62,999,762, A>T on the plus strand (T>A on the coding strand, the complement: SLC22A8 is on the minus strand). VCF-style: chr11-62999762-A-T. GRCh37 (hg19) VCF-style: chr11-62767234-A-T.
Other names: c.518T>A, p.Phe173Tyr (NM_001184732.2); c.245T>A, p.Phe82Tyr (NM_001184733.2); c.149T>A, p.Phe50Tyr (NM_001184736.2); short protein forms F82Y, F173Y, F50Y.
Identifiers: ClinVar variation 5029610 (VCV005029610.1).

ClinVar aggregate classification (germline): Uncertain significance (1 of 4 stars; one submission).

gnomAD v4.1: 2 of 1,607,818 alleles (0.00012%); highest among the groups gnomAD compares: Non-Finnish European, 0.00017%; no homozygotes.

Submission:

Ambry Genetics
Classification: Uncertain significance. Last evaluated: 2026-07-03. Review status: criteria provided, single submitter. Criteria: Ambry Variant Classification Scheme 2023. Collection method: clinical testing. Allele origin: germline.
Comment: The c.518T>A (p.F173Y) alteration is located in exon 4 (coding exon 3) of the SLC22A8 gene. This alteration results from a T to A substitution at nucleotide position 518, causing the phenylalanine (F) at amino acid position 173 to be replaced by a tyrosine (Y). Based on data from gnomAD, the A allele has an overall frequency of <0.001% (1/245746) total alleles studied. The highest observed frequency was 0.001% (1/111774) of European (non-Finnish) alleles. Based on insufficient or conflicting evidence, the clinical significance of this alteration remains unclear.